The following is an entry in ClinVar:

ClinVar aggregate classification (germline): Uncertain significance (1 of 4 stars; one submission).

Conditions:
Hereditary cancer-predisposing syndrome. Also called: Neoplastic Syndromes, Hereditary; Tumor predisposition; Hereditary neoplastic syndrome; Hereditary Cancer Syndrome. Identifiers: Orphanet 140162, MedGen C0027672, MeSH D009386, MONDO:0015356.

Submission:

Ambry Genetics
Classification: Uncertain significance for Hereditary cancer-predisposing syndrome. Last evaluated: 2026-07-23. Review status: criteria provided, single submitter. Criteria: Ambry Variant Classification Scheme 2023. Collection method: clinical testing. Allele origin: germline.
Comment: The c.810+3A>G intronic variant results from an A to G substitution 3 nucleotides after coding exon 8 in the NF2 gene. This nucleotide position is not well conserved in available vertebrate species. In silico splice site analysis predicts that this alteration may result in the creation or strengthening of a novel splice donor site. RNA studies have demonstrated that this variant results in a splice defect; the clinical impact of this abnormal splicing is unknown at this time (Ambry internal data). Based on the available evidence, the clinical significance of this variant remains unclear.

NM_000268.4(NF2):c.810+3A>G

Gene: NF2 (NF2, moesin-ezrin-radixin like (MERLIN) tumor suppressor; plus strand). Cytogenetic location: 22q12.2.
Variant type: single nucleotide variant.
Coding change: c.810+3A>G on transcript NM_000268.4 (MANE Select); 3 bases into the intron after coding-DNA position 810, A replaced by G.
Molecular consequence: intron variant.
Genome position (GRCh38, 1-based): chr22:29,661,342, A>G. VCF-style: chr22-29661342-A-G. GRCh37 (hg19) VCF-style: chr22-30057331-A-G.
Other names: c.810+3A>G (NM_016418.5, NM_181832.3, NM_001407060.1 and 2 more transcripts); c.696+3A>G (NM_001407056.1, NM_001407053.1); c.579+3A>G (NM_001407067.1); c.276+3A>G (NM_001407065.1); c.675+3078A>G (NM_001407059.1, NM_001407057.1); c.447+19057A>G (NM_181833.3); c.687+3A>G (NM_001407058.1, NM_181829.3, NM_001407054.1); c.552+3078A>G (NM_001407062.1); and 2 more.
Identifiers: ClinVar variation 5025703 (VCV005025703.1).
Genomic context (GRCh38, chr22:29,661,342, plus strand): 5'-CCCCAAGATCTCCTTCCCGTGGAATGAAATCCGAAACATCTCGTACAGTGACAAGGAGGT[A>G]GGACATGTGTGTACTGCAGATGGGTCCAGCAGATCTTTCCCTGTCTGCCCCCCTCACTGG-3'